The following is an entry in ClinVar:

NM_001042517.2(DIAPH3):c.83_84delinsAA (p.Arg28Gln)

Gene: DIAPH3 (diaphanous related formin 3; minus strand). Cytogenetic location: 13q21.2.
Variant type: Indel.
Coding change: c.83_84delinsAA on transcript NM_001042517.2 (MANE Select); coding-DNA positions 83 to 84, GC replaced by AA.
Protein change: p.Arg28Gln; replaces arginine 28 with glutamine.
Molecular consequence: missense variant.
Genome position (GRCh38, 1-based): chr13:60,163,683-60,163,684, GC replaced by TT on the plus strand (GC replaced by AA on the coding strand, the reverse complement: DIAPH3 is on the minus strand). VCF-style: chr13-60163683-GC-TT. GRCh37 (hg19) VCF-style: chr13-60737817-GC-TT.
Other names: c.83_84delinsAA, p.Arg28Gln (NM_001258366.2, NM_001258367.2, NM_001258368.2 and 1 more transcripts); c.83_84delGCinsAA (NM_001042517.1); short protein forms R28Q.
Identifiers: ClinVar variation 1200432 (VCV001200432.10), dbSNP rs2138509335, ClinGen allele CA2499222507.
Genomic context (GRCh38, chr13:60,163,683, plus strand): 5'-ACTGGGCGGCGGAGGGTGTTGGGGGCCCTTCCTGCGCGGCATCTTGCTTTCCCGGCAGCC[GC>TT]GGAGAGAGGCTGAGGAAGGGTAGGGAGTCCCAGCGGCTGAGCCTTGGGCCGGGTGGTGCA-3'
Protein context (NP_001035982.1, residues 18-38): GTPYPSSASL[Arg28Gln]GCRESKMPRR

ClinVar aggregate classification (germline): Conflicting classifications of pathogenicity. Review status: criteria provided, conflicting classifications (1 of 4 stars). 2 submissions from 2 submitters: Uncertain significance (1); Likely benign (1). Last evaluated 2025-12-24.

Submissions (2):

Labcorp Genetics (formerly Invitae), Labcorp
Classification: Uncertain significance. Last evaluated: 2025-12-24. Review status: criteria provided, single submitter. Criteria: Invitae Variant Classification Sherloc (09022015). Collection method: clinical testing. Allele origin: germline.
Comment: This variant, c.83_84delinsAA, is a complex sequence change that results in the deletion of one and insertion of one amino acid(s) in the DIAPH3 protein (p.Arg28Gln). This variant is present in population databases (no rsID available, gnomAD 0.08%), and has an allele count higher than expected for a pathogenic variant. This variant has not been reported in the literature in individuals affected with DIAPH3-related conditions. ClinVar contains an entry for this variant (Variation ID: 1200432). An algorithm developed to predict the effect of missense changes on protein structure and function (PolyPhen-2) suggests that this variant is likely to be disruptive. In summary, the available evidence is currently insufficient to determine the role of this variant in disease. Therefore, it has been classified as a Variant of Uncertain Significance.

GeneDx
Classification: Likely benign. Last evaluated: 2022-12-29. Review status: criteria provided, single submitter. Criteria: GeneDx Variant Classification Process June 2021. Collection method: clinical testing. Allele origin: germline. Affected: yes.
Comment: See Variant Classification Assertion Criteria.